The following is an entry in ClinVar:

ClinVar aggregate classification (germline): Likely benign (0 of 4 stars; one submission).

Conditions:
DYRK1B-related disorder. Also called: DYRK1B-related condition.

gnomAD v4.1: 8 of 1,547,948 alleles (0.00052%); highest among the groups gnomAD compares: Non-Finnish European, 0.00061%; no homozygotes.

Submission:

PreventionGenetics, part of Exact Sciences
Classification: Likely benign for DYRK1B-related condition. Last evaluated: 2023-11-29. Review status: no assertion criteria provided. Collection method: clinical testing. Allele origin: germline.
Comment: This variant is classified as likely benign based on ACMG/AMP sequence variant interpretation guidelines (Richards et al. 2015 PMID: 25741868, with internal and published modifications).

NM_004714.3(DYRK1B):c.60G>A (p.Thr20=)

Gene: DYRK1B (dual specificity tyrosine phosphorylation regulated kinase 1B; minus strand). Cytogenetic location: 19q13.2.
Variant type: single nucleotide variant.
Coding change: c.60G>A on transcript NM_004714.3 (MANE Select); coding-DNA position 60, G replaced by A.
Protein change: p.Thr20=; no amino-acid change (threonine 20 retained).
Molecular consequence: synonymous variant.
Genome position (GRCh38, 1-based): chr19:39,831,808, C>T on the plus strand (G>A on the coding strand, the complement: DYRK1B is on the minus strand). VCF-style: chr19-39831808-C-T. GRCh37 (hg19) VCF-style: chr19-40322448-C-T.
Other names: c.60G>A, p.Thr20= (NM_006483.3, NM_006484.3).
Identifiers: ClinVar variation 3061279 (VCV003061279.2), dbSNP rs142943294, ClinGen allele CA308301374.